The following is an entry in ClinVar:

ClinVar aggregate classification (germline): Uncertain significance (1 of 4 stars; one submission).

Conditions:
CLCN7-related disorder. Also called: CLCN7-related condition.

Submission:

PreventionGenetics, part of Exact Sciences
Classification: Uncertain significance for CLCN7-related condition. Last evaluated: 2026-01-07. Review status: criteria provided, single submitter. Criteria: ACMG Guidelines, 2015. Collection method: clinical testing. Allele origin: germline.
Comment: The CLCN7 c.375G>T variant is predicted to result in the amino acid substitution p.Lys125Asn. To our knowledge, this variant has not been reported in the literature or in a large population database (gnomAD), indicating this variant is rare. At this time, the clinical significance of this variant is uncertain due to the absence of conclusive functional and genetic evidence.

NM_001287.6(CLCN7):c.375G>T (p.Lys125Asn)

Gene: CLCN7 (Cl-/H+ antiporter 7; minus strand). Cytogenetic location: 16p13.3.
Variant type: single nucleotide variant.
Coding change: c.375G>T on transcript NM_001287.6 (MANE Select); coding-DNA position 375, G replaced by T.
Protein change: p.Lys125Asn; replaces lysine 125 with asparagine.
Molecular consequence: missense variant.
Genome position (GRCh38, 1-based): chr16:1,460,925, C>A on the plus strand (G>T on the coding strand, the complement: CLCN7 is on the minus strand). VCF-style: chr16-1460925-C-A. GRCh37 (hg19) VCF-style: chr16-1510926-C-A.
Other names: c.303G>T, p.Lys101Asn (NM_001114331.3); short protein forms K101N, K125N.
Identifiers: ClinVar variation 4987143 (VCV004987143.1).